The following is an entry in ClinVar:

NM_022773.4(LMF1):c.729+18C>G

Gene: LMF1 (lipase maturation factor 1; minus strand). Cytogenetic location: 16p13.3.
Variant type: single nucleotide variant.
Coding change: c.729+18C>G on transcript NM_022773.4 (MANE Select); 18 bases into the intron after coding-DNA position 729, C replaced by G.
Molecular consequence: intron variant.
Genome position (GRCh38, 1-based): chr16:892,989, G>C on the plus strand (C>G on the coding strand, the complement: LMF1 is on the minus strand). VCF-style: chr16-892989-G-C. GRCh37 (hg19) VCF-style: chr16-942989-G-C.
Other names: c.402+18C>G (NM_001352019.2); c.78+18C>G (NM_001352017.2, NM_001352021.2); c.330+18C>G (NM_001352018.2); c.729+18C>G (NM_001352020.1).
Identifiers: ClinVar variation 1268137 (VCV001268137.15), dbSNP rs11864203, ClinGen allele CA7797399.

ClinVar aggregate classification (germline): Benign. Review status: criteria provided, multiple submitters, no conflicts (2 of 4 stars). 5 submissions from 5 submitters: Benign (5). Last evaluated 2026-09-21.

Allele frequency attached by ClinVar (database versions not stated): gnomAD exomes 0.41303; 1000 Genomes Project 0.53834; ExAC 0.45884; 1000 Genomes Project 30x 0.54528; ESP Exome Variant Server 0.39417; TOPMed 0.47312.
gnomAD v4.1: 537,308 of 1,535,592 alleles (35%); highest among the groups gnomAD compares: African/African-American, 70%; 103,968 homozygotes.

Submissions (14):

Molecular Diagnostic Laboratory for Inherited Cardiovascular Disease, Montreal Heart Institute
Classification: Benign. Last evaluated: 2026-09-21. Review status: criteria provided, single submitter. Criteria: ACMG Guidelines, 2015. Collection method: clinical testing. Allele origin: germline. Affected: no.
Comment: BA1

Labcorp Genetics (formerly Invitae), Labcorp
Classification: Benign. Last evaluated: 2026-02-04. Review status: criteria provided, single submitter. Criteria: Invitae Variant Classification Sherloc (09022015). Collection method: clinical testing. Allele origin: germline.

Blueprint Genetics
Classification: Benign. Last evaluated: 2024-11-27. Review status: criteria provided, single submitter. Criteria: ACMG Guidelines, 2015. Collection method: clinical testing. Allele origin: germline.

GeneDx
Classification: Benign. Last evaluated: 2018-08-30. Review status: criteria provided, single submitter. Criteria: GeneDx Variant Classification Process June 2021. Collection method: clinical testing. Allele origin: germline. Affected: yes.

Breakthrough Genomics
Classification: Benign. Review status: criteria provided, single submitter. Criteria: ACMG Guidelines, 2015. Collection method: not provided. Allele origin: germline. Inheritance: Autosomal recessive inheritance. Affected: yes.

Dr. Peter K. Rogan Lab, Western University
No classification provided (evidence only). Condition: Clear cell carcinoma of kidney. Review status: no classification provided. Collection method: in vitro. Allele origin: not applicable. Functional consequence: retained intron. Not counted in ClinVar's aggregate classification.

Dr. Peter K. Rogan Lab, Western University
No classification provided (evidence only). Condition: Hepatocellular carcinoma. Review status: no classification provided. Collection method: in vitro. Allele origin: not applicable. Functional consequence: retained intron. Not counted in ClinVar's aggregate classification.

Dr. Peter K. Rogan Lab, Western University
No classification provided (evidence only). Condition: Ovarian serous cystadenocarcinoma. Review status: no classification provided. Collection method: in vitro. Allele origin: not applicable. Functional consequence: retained intron. Not counted in ClinVar's aggregate classification.

Dr. Peter K. Rogan Lab, Western University
No classification provided (evidence only). Condition: Ovarian serous cystadenocarcinoma. Review status: no classification provided. Collection method: in vitro. Allele origin: not applicable. Functional consequence: retained intron. Not counted in ClinVar's aggregate classification.

Dr. Peter K. Rogan Lab, Western University
No classification provided (evidence only). Condition: Ovarian serous cystadenocarcinoma. Review status: no classification provided. Collection method: in vitro. Allele origin: not applicable. Functional consequence: retained intron. Not counted in ClinVar's aggregate classification.

Dr. Peter K. Rogan Lab, Western University
No classification provided (evidence only). Condition: Ovarian serous cystadenocarcinoma. Review status: no classification provided. Collection method: in vitro. Allele origin: not applicable. Functional consequence: retained intron. Not counted in ClinVar's aggregate classification.

Dr. Peter K. Rogan Lab, Western University
No classification provided (evidence only). Condition: Ovarian serous cystadenocarcinoma. Review status: no classification provided. Collection method: in vitro. Allele origin: not applicable. Functional consequence: retained intron. Not counted in ClinVar's aggregate classification.

Dr. Peter K. Rogan Lab, Western University
No classification provided (evidence only). Condition: Ovarian serous cystadenocarcinoma. Review status: no classification provided. Collection method: in vitro. Allele origin: not applicable. Functional consequence: retained intron. Not counted in ClinVar's aggregate classification.

Dr. Peter K. Rogan Lab, Western University
No classification provided (evidence only). Condition: Uterine carcinosarcoma. Review status: no classification provided. Collection method: in vitro. Allele origin: not applicable. Functional consequence: retained intron. Not counted in ClinVar's aggregate classification.